The following is an entry in ClinVar:

NM_000512.5(GALNS):c.1161C>T (p.Gly387=)

Gene: GALNS (galactosamine (N-acetyl)-6-sulfatase; minus strand). Cytogenetic location: 16q24.3.
Variant type: single nucleotide variant.
Coding change: c.1161C>T on transcript NM_000512.5 (MANE Select); coding-DNA position 1161, C replaced by T.
Protein change: p.Gly387=; no amino-acid change (glycine 387 retained).
Molecular consequence: synonymous variant.
Genome position (GRCh38, 1-based): chr16:88,824,848, G>A on the plus strand (C>T on the coding strand, the complement: GALNS is on the minus strand). VCF-style: chr16-88824848-G-A. GRCh37 (hg19) VCF-style: chr16-88891256-G-A.
Other names: c.1161C>T (NM_000512.4); c.606C>T, p.Gly202= (NM_001323543.2); c.1179C>T, p.Gly393= (NM_001323544.2).
Identifiers: ClinVar variation 1578840 (VCV001578840.10), dbSNP rs376919708, ClinGen allele CA8234786.
Genomic context (GRCh38, chr16:88,824,848, plus strand): 5'-GTTGGTCCAGGTCCAGAAGTGAGCCTTGTGCTGCCCGAGGGTGGCCGCCATCAGCGTGTC[G>A]CCACGGTAATAGAAGATAGGCCTGTGGGATGGGAGGGGAGGACCATGTAATGACAGGAAG-3'
Protein context (NP_000503.1, residues 377-397): LMDRPIFYYR[Gly387=]DTLMAATLGQ

ClinVar aggregate classification (germline): Likely benign. Review status: criteria provided, single submitter (1 of 4 stars). 2 submissions from 2 submitters: Likely benign (1). 1 of the submissions does not count toward it. Last evaluated 2025-09-08.

Conditions:
GALNS-related disorder. Also called: GALNS-related condition.
Mucopolysaccharidosis, MPS-IV-A (MPS4A). Also called: mucopolysaccharidosis type 4A; Morquio syndrome A, mild; MORQUIO SYNDROME A; GALACTOSAMINE-6-SULFATASE DEFICIENCY; GALNS DEFICIENCY; MORQUIO A DISEASE. Identifiers: Orphanet 309297, Orphanet 582, MedGen C0086651, MONDO:0009659, OMIM 253000.

Allele frequency attached by ClinVar (database versions not stated): gnomAD exomes 0.00006 and 0.00009; TOPMed 0.00007; ExAC 0.00008; gnomAD 0.00011; ESP Exome Variant Server 0.00015.
gnomAD v4.1: 144 of 1,613,170 alleles (0.0089%); highest among the groups gnomAD compares: African/African-American, 0.019%; no homozygotes.

Submissions (2):

Labcorp Genetics (formerly Invitae), Labcorp
Classification: Likely benign for Mucopolysaccharidosis, MPS-IV-A. Last evaluated: 2025-09-08. Review status: criteria provided, single submitter. Criteria: Invitae Variant Classification Sherloc (09022015). Collection method: clinical testing. Allele origin: germline.

PreventionGenetics, part of Exact Sciences
Classification: Likely benign for GALNS-related condition. Last evaluated: 2019-11-11. Review status: no assertion criteria provided. Collection method: clinical testing. Allele origin: germline. Not counted in ClinVar's aggregate classification.
Comment: This variant is classified as likely benign based on ACMG/AMP sequence variant interpretation guidelines (Richards et al. 2015 PMID: 25741868, with internal and published modifications).